The following is an entry in ClinVar:

NM_021012.5(KCNJ12):c.657C>T (p.Arg219=)

Gene: KCNJ12 (potassium inwardly rectifying channel subfamily J member 12; plus strand). Cytogenetic location: 17p11.2.
Variant type: single nucleotide variant.
Coding change: c.657C>T on transcript NM_021012.5 (MANE Select); coding-DNA position 657, C replaced by T.
Protein change: p.Arg219=; no amino-acid change (arginine 219 retained).
Molecular consequence: synonymous variant.
Genome position (GRCh38, 1-based): chr17:21,415,999, C>T. VCF-style: chr17-21415999-C-T. GRCh37 (hg19) VCF-style: chr17-21319311-C-T.
Identifiers: ClinVar variation 3059540 (VCV003059540.2), dbSNP rs72846668, ClinGen allele CA8451223.

ClinVar aggregate classification (germline): Benign (0 of 4 stars; one submission).

Conditions:
KCNJ12-related disorder. Also called: KCNJ12-related condition.

Allele frequency attached by ClinVar (database versions not stated): ExAC 0.48461.

Submission:

PreventionGenetics, part of Exact Sciences
Classification: Benign for KCNJ12-related condition. Last evaluated: 2019-10-17. Review status: no assertion criteria provided. Collection method: clinical testing. Allele origin: germline.
Comment: This variant is classified as benign based on ACMG/AMP sequence variant interpretation guidelines (Richards et al. 2015 PMID: 25741868, with internal and published modifications).